The following is an entry in ClinVar:

ClinVar aggregate classification (germline): Uncertain significance. Review status: criteria provided, multiple submitters, no conflicts (2 of 4 stars). 2 submissions from 2 submitters: Uncertain significance (2). Last evaluated 2025-09-07.

Conditions:
Long QT syndrome (LQTS). Identifiers: MedGen C0023976, MeSH D008133, MONDO:0002442. Disease mechanism: loss of function. Inheritance: Various modes of inheritance.

Submissions (2):

Labcorp Genetics (formerly Invitae), Labcorp
Classification: Uncertain significance for Long QT syndrome. Last evaluated: 2025-09-07. Review status: criteria provided, single submitter. Criteria: Invitae Variant Classification Sherloc (09022015). Collection method: clinical testing. Allele origin: germline.
Comment: This variant, c.5997_6008del, results in the deletion of 4 amino acid(s) of the CACNA1C protein (p.Pro2000_Gly2003del), but otherwise preserves the integrity of the reading frame. This variant is not present in population databases (gnomAD no frequency). This variant has not been reported in the literature in individuals affected with CACNA1C-related conditions. Experimental studies and prediction algorithms are not available or were not evaluated, and the functional significance of this variant is currently unknown. In summary, the available evidence is currently insufficient to determine the role of this variant in disease. Therefore, it has been classified as a Variant of Uncertain Significance.

GeneDx
Classification: Uncertain significance. Last evaluated: 2025-03-12. Review status: criteria provided, single submitter. Criteria: GeneDx Variant Classification Process June 2021. Collection method: clinical testing. Allele origin: germline. Affected: yes.
Comment: In-frame deletion of 4 amino acid(s) in a non-repeat region; Not observed at significant frequency in large population cohorts (gnomAD); In silico analysis indicates that this variant does not alter protein structure/function; Has not been previously published as pathogenic or benign to our knowledge

NM_000719.7(CACNA1C):c.5997_6008del (p.Pro2000_Gly2003del)

Genes: CACNA1C (calcium voltage-gated channel subunit alpha1 C; plus strand), CACNA1C-AS1 (CACNA1C antisense RNA 1; minus strand). Cytogenetic location: 12p13.33.
Variant type: Deletion.
Coding change: c.5997_6008del on transcript NM_000719.7 (MANE Select); coding-DNA positions 5997 to 6008, 12 bases deleted (CCCCGGTGGCGG).
Protein change: p.Pro2000_Gly2003del.
Molecular consequence: inframe indel (on NM_000719.6).
Genome position (GRCh38, 1-based): chr12:2,688,659-2,688,670, CCCCGGTGGCGG deleted. VCF-style (leftmost placement, unchanged base first): chr12-2688658-CCCCCGGTGGCGG-C. GRCh37 (hg19) VCF-style: chr12-2797824-CCCCCGGTGGCGG-C.
Other names: c.5997_6008delCCCCGGTGGCGG, p.Pro2000_Gly2003del (NM_000719.6); c.6141_6152del, p.Pro2048_Gly2051del (NM_001129827.2); c.6120_6131del, p.Pro2041_Gly2044del (NM_001129829.2); c.6102_6113del, p.Pro2035_Gly2038del (NM_001129830.3, NM_001167624.3); c.6081_6092del, p.Pro2028_Gly2031del (NM_001129831.2); c.6057_6068del, p.Pro2020_Gly2023del (NM_001129832.2); c.6054_6065del, p.Pro2019_Gly2022del (NM_001129833.2, NM_001129834.2, NM_001129835.2); c.6048_6059del, p.Pro2017_Gly2020del (NM_001129836.2); and 7 more.
Identifiers: ClinVar variation 4083404 (VCV004083404.2).